The following is an entry in ClinVar:

ClinVar aggregate classification (germline): Uncertain significance (1 of 4 stars; one submission).

Submission:

Labcorp Genetics (formerly Invitae), Labcorp
Classification: Uncertain significance. Last evaluated: 2024-03-28. Review status: criteria provided, single submitter. Criteria: Invitae Variant Classification Sherloc (09022015). Collection method: clinical testing. Allele origin: germline.
Comment: This sequence change affects codon 399 of the FZD2 mRNA. It is a 'silent' change, meaning that it does not change the encoded amino acid sequence of the FZD2 protein. This variant is not present in population databases (gnomAD no frequency). This variant has not been reported in the literature in individuals affected with FZD2-related conditions. In summary, the available evidence is currently insufficient to determine the role of this variant in disease. Therefore, it has been classified as a Variant of Uncertain Significance.

NM_001466.4(FZD2):c.1197C>T (p.Ser399=)

Gene: FZD2 (frizzled class receptor 2; plus strand). Cytogenetic location: 17q21.31.
Variant type: single nucleotide variant.
Coding change: c.1197C>T on transcript NM_001466.4 (MANE Select); coding-DNA position 1197, C replaced by T.
Protein change: p.Ser399=; no amino-acid change (serine 399 retained).
Molecular consequence: synonymous variant.
Genome position (GRCh38, 1-based): chr17:44,558,885, C>T. VCF-style: chr17-44558885-C-T. GRCh37 (hg19) VCF-style: chr17-42636253-C-T.
Identifiers: ClinVar variation 3611150 (VCV003611150.2).